The following is an entry in ClinVar:

ClinVar aggregate classification (germline): Uncertain significance (1 of 4 stars; one submission).

Submission:

Labcorp Genetics (formerly Invitae), Labcorp
Classification: Uncertain significance. Last evaluated: 2021-06-13. Review status: criteria provided, single submitter. Criteria: Invitae Variant Classification Sherloc (09022015). Collection method: clinical testing. Allele origin: germline.
Comment: In summary, the available evidence is currently insufficient to determine the role of this variant in disease. Therefore, it has been classified as a Variant of Uncertain Significance. This variant has been observed in individual(s) with clinical features of NEFH-related conditions (Invitae). This variant results in a copy number gain of the genomic region encompassing exon(s) 1-3 of the NEFH gene. This region includes the initiator codon of the gene. The 5' end of this event is unknown as it extends beyond the assayed region for this gene and therefore may encompass additional genes. The 3' boundary is likely confined to intron 3 of the NEFH gene. As the precise location of this event is unknown, it may be in tandem or it may be located elsewhere in the genome.

NC_000022.10:g.(?_29876252)_(29881856_?)dup

Gene: NEFH (neurofilament heavy chain; plus strand). Cytogenetic location: 22q12.2.
Variant type: Duplication.
Identifiers: ClinVar variation 1448472 (VCV001448472.6).